The following is an entry in ClinVar:

NM_001754.5(RUNX1):c.968-11C>T

Gene: RUNX1 (RUNX family transcription factor 1; minus strand). Cytogenetic location: 21q22.12.
Variant type: single nucleotide variant.
Coding change: c.968-11C>T on transcript NM_001754.5 (MANE Select); 11 bases into the intron before coding-DNA position 968, C replaced by T.
Molecular consequence: intron variant.
Genome position (GRCh38, 1-based): chr21:34,792,621, G>A on the plus strand (C>T on the coding strand, the complement: RUNX1 is on the minus strand). VCF-style: chr21-34792621-G-A. GRCh37 (hg19) VCF-style: chr21-36164918-G-A.
Other names: c.887-11C>T (NM_001001890.3).
Identifiers: ClinVar variation 2712159 (VCV002712159.4), dbSNP rs2145878734, ClinGen allele CA2654377542.
Genomic context (GRCh38, chr21:34,792,621, plus strand): 5'-CAGCGCGGGGAACTGGCGCGGGTCGCTGAACGCTGTCAGGTCGGGTGCCGCTGCAGGGCG[G>A]GCAAGAGAACGGAGCGGAAGTGAGTAGGAGGTTGCGGAGGCCACAGCTCTTCCCTCTGCC-3'

ClinVar aggregate classification (germline): Likely benign. Review status: reviewed by expert panel (3 of 4 stars). 2 submissions from 2 submitters: Likely benign (1). 1 of the submissions does not count toward it. Last evaluated 2025-01-15.

Conditions:
Hereditary thrombocytopenia and hematological cancer predisposition syndrome associated with RUNX1. Also called: Familial Platelet Disorder with Propensity to Acute Myelogenous Leukemia; Familial thrombocytopenia with propensity to acute myelogenous leukemia; PLATELET DISORDER, ASPIRIN-LIKE; RUNX1 Familial Platelet Disorder with Associated Myeloid Malignancies. Identifiers: Orphanet 71290, MedGen C1832388, MeSH C563324, MONDO:0100083, OMIM 601399.
Hereditary thrombocytopenia and hematologic cancer predisposition syndrome. Identifiers: Orphanet 71290, MedGen CN281654, MONDO:0011071.

Submissions (2):

ClinGen Myeloid Malignancy Variant Curation Expert Panel
Classification: Likely benign for Hereditary thrombocytopenia and hematologic cancer predisposition syndrome. Last evaluated: 2025-01-15. Review status: reviewed by expert panel. Criteria: ClinGen MyeloMalig ACMG Specifications v2. Collection method: curation. Allele origin: germline. Inheritance: Autosomal dominant inheritance.
Comment: NM_001754.5(RUNX1):c.968-11C>T is an intronic variant which has a SpliceAI score ≤ 0.20 (0.0) (BP4). Evolutionary conservation algorithms predict the site as not being conserved (PhyloP score ≤ 2.0 (0.12)) (BP7). This variant is completely absent from all population databases with at least 20x coverage for RUNX1 (PM2_supporting). In summary, this variant meets criteria to be classified as likely benign. ACMG/AMP criteria applied, as specified by the Myeloid Malignancy Variant Curation Expert Panel for RUNX1: BP4, BP7, PM2_supporting.

Labcorp Genetics (formerly Invitae), Labcorp
Classification: Likely benign for Hereditary thrombocytopenia and hematological cancer predisposition syndrome associated with RUNX1. Last evaluated: 2023-07-06. Review status: criteria provided, single submitter. Criteria: Invitae Variant Classification Sherloc (09022015). Collection method: clinical testing. Allele origin: germline. Not counted in ClinVar's aggregate classification.